The following is an entry in ClinVar:

ClinVar aggregate classification (germline): Likely benign (1 of 4 stars; one submission).

Conditions:
Malignant hyperthermia, susceptibility to, 1 (MHS1). Also called: Anesthesia related hyperthermia; Malignant hyperpyrexia; Fulminating hyperpyrexia; Pharmacogenic myopathy; Malignant hyperthermia suceptibility 1; RYR1-Related Malignant Hyperthermia Susceptibility. Identifiers: Orphanet 423, MedGen C2930980, MONDO:0007783, OMIM 145600.

Submission:

All of Us Research Program, National Institutes of Health
Classification: Likely benign for Malignant hyperthermia, susceptibility to, 1. Last evaluated: 2024-03-24. Review status: criteria provided, single submitter. Criteria: ACMG Guidelines, 2015. Collection method: clinical testing. Allele origin: germline. Inheritance: Autosomal dominant inheritance. Observed: 1 variant allele, 1 heterozygote.
Comment: This study involves interpretation of variants in research participants for the purpose of population health screening. Participant phenotype was not available at the time of variant classification. Additional details can be found in publication PMID: 35346344, PMCID: PMC8962531

NM_000540.3(RYR1):c.13644G>A (p.Gln4548=)

Gene: RYR1 (ryanodine receptor 1; plus strand). Cytogenetic location: 19q13.2.
Variant type: single nucleotide variant.
Coding change: c.13644G>A on transcript NM_000540.3 (MANE Select); coding-DNA position 13644, G replaced by A.
Protein change: p.Gln4548=; no amino-acid change (glutamine 4548 retained).
Molecular consequence: synonymous variant.
Genome position (GRCh38, 1-based): chr19:38,567,902, G>A. VCF-style: chr19-38567902-G-A. GRCh37 (hg19) VCF-style: chr19-39058542-G-A.
Other names: c.13629G>A, p.Gln4543= (NM_001042723.2).
Identifiers: ClinVar variation 3385604 (VCV003385604.1).